The following is an entry in ClinVar:

NM_173076.3(ABCA12):c.2742A>G (p.Leu914=)

Gene: ABCA12 (ATP binding cassette subfamily A member 12; minus strand). Cytogenetic location: 2q35.
Variant type: single nucleotide variant.
Coding change: c.2742A>G on transcript NM_173076.3 (MANE Select); coding-DNA position 2742, A replaced by G.
Protein change: p.Leu914=; no amino-acid change (leucine 914 retained).
Molecular consequence: synonymous variant. On other transcripts: non-coding transcript variant (1).
Genome position (GRCh38, 1-based): chr2:215,001,679, T>C on the plus strand (A>G on the coding strand, the complement: ABCA12 is on the minus strand). VCF-style: chr2-215001679-T-C. GRCh37 (hg19) VCF-style: chr2-215866403-T-C.
Other names: c.1788A>G, p.Leu596= (NM_015657.4).
Identifiers: ClinVar variation 733624 (VCV000733624.9), dbSNP rs367676072, ClinGen allele CA2091881.

ClinVar aggregate classification (germline): Likely benign. Review status: criteria provided, multiple submitters, no conflicts (2 of 4 stars). 3 submissions from 3 submitters: Likely benign (2). 1 of the submissions does not count toward it. Last evaluated 2024-03-18.

Conditions:
ABCA12-related disorder. Also called: ABCA12-related condition.

Allele frequency attached by ClinVar (database versions not stated): gnomAD exomes 0.00003 and 0.00010; ExAC 0.00015; gnomAD 0.00035 and 0.00037; TOPMed 0.00036; ESP Exome Variant Server 0.00054.
gnomAD v4.1: 103 of 1,613,716 alleles (0.0064%); highest among the groups gnomAD compares: African/African-American, 0.11%; no homozygotes.

Submissions (3):

Labcorp Genetics (formerly Invitae), Labcorp
Classification: Likely benign. Last evaluated: 2024-03-18. Review status: criteria provided, single submitter. Criteria: Invitae Variant Classification Sherloc (09022015). Collection method: clinical testing. Allele origin: germline.

Blueprint Genetics
Classification: Likely benign. Last evaluated: 2022-12-30. Review status: criteria provided, single submitter. Criteria: ACMG Guidelines, 2015. Collection method: clinical testing. Allele origin: germline.

PreventionGenetics, part of Exact Sciences
Classification: Likely benign for ABCA12-related condition. Last evaluated: 2019-04-22. Review status: no assertion criteria provided. Collection method: clinical testing. Allele origin: germline. Not counted in ClinVar's aggregate classification.
Comment: This variant is classified as likely benign based on ACMG/AMP sequence variant interpretation guidelines (Richards et al. 2015 PMID: 25741868, with internal and published modifications).